The following is an entry in ClinVar:

ClinVar aggregate classification (germline): Likely pathogenic (1 of 4 stars; one submission).

Conditions:
Dilated cardiomyopathy 1G (CMD1G). Identifiers: Orphanet 154, MedGen C1858763, MONDO:0011400, OMIM 604145.
Autosomal recessive limb-girdle muscular dystrophy type 2J (LGMDR10). Also called: MUSCULAR DYSTROPHY, LIMB-GIRDLE, AUTOSOMAL RECESSIVE 10; Limb-girdle muscular dystrophy, type 2J. Identifiers: Orphanet 140922, MedGen C1837342, MONDO:0012127, OMIM 608807.

Submission:

Labcorp Genetics (formerly Invitae), Labcorp
Classification: Likely pathogenic for Dilated cardiomyopathy 1G; Autosomal recessive limb-girdle muscular dystrophy type 2J. Last evaluated: 2023-07-07. Review status: criteria provided, single submitter. Criteria: Invitae Variant Classification Sherloc (09022015). Collection method: clinical testing. Allele origin: germline.
Comment: This sequence change creates a premature translational stop signal (p.Cys18390Valfs*33) in the TTN gene. While this is not anticipated to result in nonsense mediated decay, it is expected to create a truncated TTN protein. This variant is not present in population databases (gnomAD no frequency). This variant has not been reported in the literature in individuals affected with TTN-related conditions. This variant is located in the A band of TTN (PMID: 25589632). Truncating variants in this region are significantly overrepresented in patients affected with dilated cardiomyopathy (PMID: 25589632). Truncating variants in this region have also been reported in individuals affected with autosomal recessive centronuclear myopathy (PMID: 23975875). In summary, the currently available evidence indicates that the variant is pathogenic, but additional data are needed to prove that conclusively. Therefore, this variant has been classified as Likely Pathogenic.

Literature cited by the submitters: PubMed 25589632; PubMed 23975875.

NM_001267550.2(TTN):c.55168del (p.Cys18390fs)

Genes: TTN (titin; minus strand), TTN-AS1 (TTN antisense RNA 1; plus strand). Cytogenetic location: 2q31.2.
Variant type: Deletion.
Coding change: c.55168del on transcript NM_001267550.2 (MANE Select); coding-DNA position 55168, one base deleted (T; older notation c.55168delT).
Protein change: p.Cys18390fs; shifts the reading frame from cysteine 18390.
Molecular consequence: frameshift variant.
Genome position (GRCh38, 1-based): chr2:178,602,103, A deleted on the plus strand (T on the coding strand, the reverse complement: TTN is on the minus strand); the first of 3 consecutive A bases (chr2:178,602,103-178,602,105); deleting any one gives the same sequence. VCF-style (leftmost placement, unchanged base first): chr2-178602102-CA-C. GRCh37 (hg19) VCF-style: chr2-179466829-CA-C.
Other names: c.50245del, p.Cys16749fs (NM_001256850.1); c.27973del, p.Cys9325fs (NM_003319.4); c.47464del, p.Cys15822fs (NM_133378.4); c.28348del, p.Cys9450fs (NM_133432.3); c.28549del, p.Cys9517fs (NM_133437.4); short protein forms C18390fs, C9450fs, C15822fs, C16749fs, C9325fs, C9517fs.
Identifiers: ClinVar variation 2942188 (VCV002942188.3), dbSNP rs2470034837, ClinGen allele CA2740096101.
Genomic context (GRCh38, chr2:178,602,102, plus strand): 5'-GATTTTGGTGTTGGGCGTCCCTTGATGACAGCAGGAATCCTAATCTGTGAGCCAGCTTTA[CA>C]AACCAGACAGTCCTGTGCTCCAATGTCAATGAAAACTTCTGGTTCCTCTGTAATACCACA-3'